The following is an entry in ClinVar:

NM_000088.4(COL1A1):c.2939G>T (p.Gly980Val)

Gene: COL1A1 (collagen type I alpha 1 chain; minus strand). Cytogenetic location: 17q21.33.
Variant type: single nucleotide variant.
Coding change: c.2939G>T on transcript NM_000088.4 (MANE Select); coding-DNA position 2939, G replaced by T.
Protein change: p.Gly980Val; replaces glycine 980 with valine.
Molecular consequence: missense variant.
Genome position (GRCh38, 1-based): chr17:50,189,009, C>A on the plus strand (G>T on the coding strand, the complement: COL1A1 is on the minus strand). VCF-style: chr17-50189009-C-A. GRCh37 (hg19) VCF-style: chr17-48266370-C-A.
Other names: G802V; c.2939G>T (NM_000088.3); short protein forms G980V.
Identifiers: ClinVar variation 17323 (VCV000017323.3), dbSNP rs72653166, ClinGen allele CA257884.

ClinVar aggregate classification (germline): Pathogenic. Review status: criteria provided, single submitter (1 of 4 stars). 2 submissions from 2 submitters: Pathogenic (1). 1 of the submissions does not count toward it. Last evaluated 2022-11-22.

Conditions:
Osteogenesis imperfecta, perinatal lethal (OI2). Also called: Osteogenesis imperfecta type 2; Osteogenesis imperfecta, dominant perinatal lethal; VROLIK TYPE OF OSTEOGENESIS IMPERFECTA; OI, TYPE II; OSTEOGENESIS IMPERFECTA CONGENITA; OSTEOGENESIS IMPERFECTA, TYPE II. Identifiers: Orphanet 216804, MedGen C0268358, MONDO:0008147, OMIM 166210.

Submissions (2):

GeneDx
Classification: Pathogenic. Last evaluated: 2022-11-22. Review status: criteria provided, single submitter. Criteria: GeneDx Variant Classification Process June 2021. Collection method: clinical testing. Allele origin: germline. Affected: yes.
Comment: Occurs in the triple helical domain and replaces a glycine in a canonical Gly-X-Y repeat; missense substitution of a canonical glycine residue is expected to disrupt normal protein folding and function, and this is an established mechanism of disease (Jovanovic et al., 2021); Functional studies using patient cells demonstrated impaired collagen secretion, intracellular retention of the collagen chains and melting of the collagen chains at a lower temperature compared to controls (Bonaventure et al., 1992); Not observed at significant frequency in large population cohorts (gnomAD); In silico analysis supports that this missense variant has a deleterious effect on protein structure/function; Also known as p.G802V; This variant is associated with the following publications: (PMID: 1864604, 34007986, 1511982)

OMIM
Classification: Pathogenic for OSTEOGENESIS IMPERFECTA, TYPE II. Last evaluated: 1992-08-01. Review status: no assertion criteria provided. Collection method: literature only. Allele origin: unknown. Not counted in ClinVar's aggregate classification.

Literature cited by the submitters: PubMed 1864604 (cited by OMIM); PubMed 1511982 (cited by OMIM).